The following is an entry in ClinVar:

ClinVar aggregate classification (germline): Likely benign (1 of 4 stars; one submission).

Conditions:
Marfan syndrome (MFS). Also called: MARFAN SYNDROME, TYPE I; Marfan syndrome type 1; Marfan's syndrome; Marfan syndrome, classic; FBN1-Related Marfan Syndrome. Identifiers: Orphanet 284963, Orphanet 558, MedGen C0024796, MONDO:0007947, OMIM 154700.

Submission:

All of Us Research Program, National Institutes of Health
Classification: Likely benign for Marfan syndrome. Last evaluated: 2023-12-13. Review status: criteria provided, single submitter. Criteria: ACMG Guidelines, 2015. Collection method: clinical testing. Allele origin: germline. Inheritance: Autosomal dominant inheritance. Observed: 2 variant alleles, 2 heterozygotes.
Comment: This study involves interpretation of variants in research participants for the purpose of population health screening. Participant phenotype was not available at the time of variant classification. Additional details can be found in publication PMID: 35346344, PMCID: PMC8962531

NM_000138.5(FBN1):c.2181T>C (p.Cys727=)

Gene: FBN1 (fibrillin 1; minus strand). Cytogenetic location: 15q21.1.
Variant type: single nucleotide variant.
Coding change: c.2181T>C on transcript NM_000138.5 (MANE Select); coding-DNA position 2181, T replaced by C.
Protein change: p.Cys727=; no amino-acid change (cysteine 727 retained).
Molecular consequence: synonymous variant.
Genome position (GRCh38, 1-based): chr15:48,497,378, A>G on the plus strand (T>C on the coding strand, the complement: FBN1 is on the minus strand). VCF-style: chr15-48497378-A-G. GRCh37 (hg19) VCF-style: chr15-48789575-A-G.
Other names: c.2181T>C, p.Cys727= (NM_001406716.1).
Identifiers: ClinVar variation 3071222 (VCV003071222.1), dbSNP rs2043617176, ClinGen allele CA490023651.
Genomic context (GRCh38, chr15:48,497,378, plus strand): 5'-TTTATAGGTCCCACGAAGGTTTTCACAGATTCCATTTGGGCAAATATCAGGATCTAGTGC[A>G]CATTCATTTATATCTGCACCACAAAAAAGGTCAAAATCAATTAAGATTATAAAATAAATA-3'
Protein context (NP_000129.3, residues 717-737): MTSAGSDINE[Cys727=]ALDPDICPNG